The following is an entry in ClinVar:

ClinVar aggregate classification (germline): Uncertain significance (1 of 4 stars; one submission).

Allele frequency attached by ClinVar (database versions not stated): gnomAD 0.00001.
gnomAD v4.1: 17 of 1,614,108 alleles (0.0011%); highest among the groups gnomAD compares: Non-Finnish European, 0.0014%; no homozygotes.

Submission:

Ambry Genetics
Classification: Uncertain significance. Last evaluated: 2023-09-06. Review status: criteria provided, single submitter. Criteria: Ambry Variant Classification Scheme 2023. Collection method: clinical testing. Allele origin: germline.
Comment: The p.C98G variant (also known as c.292T>G), located in coding exon 3 of the ALPK2 gene, results from a T to G substitution at nucleotide position 292. The cysteine at codon 98 is replaced by glycine, an amino acid with highly dissimilar properties. This amino acid position is conserved. In addition, this alteration is predicted to be tolerated by in silico analysis. Since supporting evidence is limited at this time, the clinical significance of this alteration remains unclear.

NM_052947.4(ALPK2):c.292T>G (p.Cys98Gly)

Gene: ALPK2 (alpha kinase 2; minus strand). Cytogenetic location: 18q21.31.
Variant type: single nucleotide variant.
Coding change: c.292T>G on transcript NM_052947.4 (MANE Select); coding-DNA position 292, T replaced by G.
Protein change: p.Cys98Gly; replaces cysteine 98 with glycine.
Molecular consequence: missense variant.
Genome position (GRCh38, 1-based): chr18:58,580,484, A>C on the plus strand (T>G on the coding strand, the complement: ALPK2 is on the minus strand). VCF-style: chr18-58580484-A-C. GRCh37 (hg19) VCF-style: chr18-56247716-A-C.
Other names: short protein forms C98G.
Identifiers: ClinVar variation 1797803 (VCV001797803.3), dbSNP rs1244288055, ClinGen allele CA402568298.